The following is an entry in ClinVar:

ClinVar aggregate classification (germline): Pathogenic (1 of 4 stars; one submission).

Conditions:
Dilated cardiomyopathy 1HH (CMD1HH). Identifiers: Orphanet 154, MedGen C3151293, MONDO:0013479, OMIM 613881.
Myofibrillar myopathy 6. Identifiers: Orphanet 199340, MedGen C2751831, MONDO:0013061, OMIM 612954.

Submission:

Labcorp Genetics (formerly Invitae), Labcorp
Classification: Pathogenic for Dilated cardiomyopathy 1HH; Myofibrillar myopathy 6. Last evaluated: 2019-11-05. Review status: criteria provided, single submitter. Criteria: Invitae Variant Classification Sherloc (09022015). Collection method: clinical testing. Allele origin: germline.
Comment: For these reasons, this variant has been classified as Pathogenic. Loss-of-function variants in BAG3 are known to be pathogenic (PMID: 21353195, 25008357). This variant has not been reported in the literature in individuals with BAG3-related conditions. This variant is not present in population databases (ExAC no frequency). This sequence change creates a premature translational stop signal (p.His112Profs*14) in the BAG3 gene. It is expected to result in an absent or disrupted protein product.

Literature cited by the submitters: PubMed 21353195; PubMed 25008357.

NM_004281.4(BAG3):c.329dup (p.His112fs)

Gene: BAG3 (BAG cochaperone 3; plus strand). Cytogenetic location: 10q26.11.
Variant type: Duplication.
Coding change: c.329dup on transcript NM_004281.4 (MANE Select); coding-DNA position 329, one base duplicated (C; older notation c.329dupC).
Protein change: p.His112fs; shifts the reading frame from histidine 112.
Molecular consequence: frameshift variant.
Genome position (GRCh38, 1-based): chr10:119,669,999, C duplicated; the last of 3 consecutive C bases (chr10:119,669,997-119,669,999); duplicating any one gives the same sequence. VCF-style (leftmost placement, unchanged base first): chr10-119669996-A-AC. GRCh37 (hg19) VCF-style: chr10-121429508-A-AC.
Other names: short protein forms H112fs.
Identifiers: ClinVar variation 957662 (VCV000957662.7), dbSNP rs1344275862, ClinGen allele CA1139661703.